The following is an entry in ClinVar:

NM_004183.4(BEST1):c.1733A>G (p.Glu578Gly)

Gene: BEST1 (bestrophin 1; plus strand). Cytogenetic location: 11q12.3.
Variant type: single nucleotide variant.
Coding change: c.1733A>G on transcript NM_004183.4 (MANE Select); coding-DNA position 1733, A replaced by G.
Protein change: p.Glu578Gly; replaces glutamic acid 578 with glycine.
Molecular consequence: missense variant. On other transcripts: non-coding transcript variant (1).
Genome position (GRCh38, 1-based): chr11:61,962,887, A>G. VCF-style: chr11-61962887-A-G. GRCh37 (hg19) VCF-style: chr11-61730359-A-G.
Other names: c.1553A>G, p.Glu518Gly (NM_001139443.3, NM_001300787.2); c.1472A>G, p.Glu491Gly (NM_001300786.2); c.1415A>G, p.Glu472Gly (NM_001363591.3); c.*628A>G (NM_001363592.2); c.761A>G, p.Glu254Gly (NM_001363593.3); short protein forms E491G, E254G, E472G, E518G, E578G.
Identifiers: ClinVar variation 1040591 (VCV001040591.8), dbSNP rs1800010, ClinGen allele CA380850821.
Genomic context (GRCh38, chr11:61,962,887, plus strand): 5'-AATCACCAACCAACATACACACTACACTCAAAGATCACATGGATCCTTATTGGGCCTTGG[A>G]AAACAGGTCTGTCCTCCACCTGAACCAGGGGCACTGCATTGCCCTGTGCCCCACCCCAGC-3'
Protein context (NP_004174.1, residues 568-585): KDHMDPYWAL[Glu578Gly]NRDEAHS

ClinVar aggregate classification (germline): Uncertain significance (1 of 4 stars; one submission).

Allele frequency attached by ClinVar (database versions not stated): TOPMed below 0.00001; gnomAD 0.00001.
gnomAD v4.1: 1 of 1,614,084 alleles (0.000062%); highest among the groups gnomAD compares: Non-Finnish European, 0.000085%; no homozygotes.

Submission:

Labcorp Genetics (formerly Invitae), Labcorp
Classification: Uncertain significance. Last evaluated: 2025-10-06. Review status: criteria provided, single submitter. Criteria: Invitae Variant Classification Sherloc (09022015). Collection method: clinical testing. Allele origin: germline.
Comment: This sequence change replaces glutamic acid, which is acidic and polar, with glycine, which is neutral and non-polar, at codon 578 of the BEST1 protein (p.Glu578Gly). This variant is present in population databases (no rsID available, gnomAD 0.007%). This variant has not been reported in the literature in individuals affected with BEST1-related conditions. ClinVar contains an entry for this variant (Variation ID: 1040591). Invitae Evidence Modeling of protein sequence and biophysical properties (such as structural, functional, and spatial information, amino acid conservation, physicochemical variation, residue mobility, and thermodynamic stability) has been performed for this missense variant. However, the output from this modeling did not meet the statistical confidence thresholds required to predict the impact of this variant on BEST1 protein function. In summary, the available evidence is currently insufficient to determine the role of this variant in disease. Therefore, it has been classified as a Variant of Uncertain Significance.